The following is an entry in ClinVar:

ClinVar aggregate classification (germline): Likely pathogenic (1 of 4 stars; one submission).

Conditions:
Dilated cardiomyopathy 1G (CMD1G). Identifiers: Orphanet 154, MedGen C1858763, MONDO:0011400, OMIM 604145.
Autosomal recessive limb-girdle muscular dystrophy type 2J (LGMDR10). Also called: Limb-girdle muscular dystrophy, type 2J; MUSCULAR DYSTROPHY, LIMB-GIRDLE, AUTOSOMAL RECESSIVE 10. Identifiers: Orphanet 140922, MedGen C1837342, MONDO:0012127, OMIM 608807.

Submission:

Labcorp Genetics (formerly Invitae), Labcorp
Classification: Likely pathogenic for Dilated cardiomyopathy 1G; Autosomal recessive limb-girdle muscular dystrophy type 2J. Last evaluated: 2024-05-13. Review status: criteria provided, single submitter. Criteria: Invitae Variant Classification Sherloc (09022015). Collection method: clinical testing. Allele origin: germline.
Comment: This sequence change creates a premature translational stop signal (p.Trp34396*) in the TTN gene. While this is not anticipated to result in nonsense mediated decay, it is expected to create a truncated TTN protein. This variant is not present in population databases (gnomAD no frequency). This variant has not been reported in the literature in individuals affected with TTN-related conditions. This variant is located in the M band of TTN (PMID: 25589632). Truncating variants in this region have been previously reported in individuals affected with autosomal recessive myopathy and muscular dystrophy (PMID: 18948003, 23975875, 24395473). Truncating variants in this region have also been identified in individuals affected with autosomal dominant dilated cardiomyopathy and/or cardio-related conditions (PMID: 27869827, 32964742, Invitae internal data). In summary, the currently available evidence indicates that the variant is pathogenic, but additional data are needed to prove that conclusively. Therefore, this variant has been classified as Likely Pathogenic.

Literature cited by the submitters: PubMed 25589632; PubMed 18948003; PubMed 23975875; PubMed 24395473; PubMed 27869827; PubMed 32964742.

NM_001267550.2(TTN):c.103188G>A (p.Trp34396Ter)

Genes: TTN (titin; minus strand), TTN-AS1 (TTN antisense RNA 1; plus strand). Cytogenetic location: 2q31.2.
Variant type: single nucleotide variant.
Coding change: c.103188G>A on transcript NM_001267550.2 (MANE Select); coding-DNA position 103188, G replaced by A.
Protein change: p.Trp34396Ter; replaces tryptophan 34396 with a stop codon.
Molecular consequence: nonsense.
Genome position (GRCh38, 1-based): chr2:178,533,427, C>T on the plus strand (G>A on the coding strand, the complement: TTN is on the minus strand). VCF-style: chr2-178533427-C-T. GRCh37 (hg19) VCF-style: chr2-179398154-C-T.
Other names: c.98265G>A, p.Trp32755Ter (NM_001256850.1); c.75993G>A, p.Trp25331Ter (NM_003319.4); c.95484G>A, p.Trp31828Ter (NM_133378.4); c.76368G>A, p.Trp25456Ter (NM_133432.3); c.76569G>A, p.Trp25523Ter (NM_133437.4); short protein forms W25331*, W25456*, W25523*, W31828*, W32755*, W34396*.
Identifiers: ClinVar variation 3756329 (VCV003756329.2).